The following is an entry in ClinVar:

ClinVar aggregate classification (germline): Uncertain significance. Review status: criteria provided, multiple submitters, no conflicts (2 of 4 stars). 2 submissions from 2 submitters: Uncertain significance (2). Last evaluated 2022-04-28.

Conditions:
Hereditary cancer-predisposing syndrome. Also called: Tumor predisposition; Neoplastic Syndromes, Hereditary; Hereditary Cancer Syndrome; Hereditary neoplastic syndrome. Identifiers: Orphanet 140162, MedGen C0027672, MeSH D009386, MONDO:0015356.
Ataxia-telangiectasia syndrome (AT). Also called: ATAXIA-TELANGIECTASIA, COMPLEMENTATION GROUP A; ATAXIA-TELANGIECTASIA, FRESNO VARIANT; Ataxia-telangiectasia; Ataxia-telangiectasia, complementation group D; AT, COMPLEMENTATION GROUP C; Ataxia-telangiectasia, complementation group E. Identifiers: Orphanet 100, MedGen C0004135, MONDO:0008840, OMIM 208900.

Submissions (2):

Labcorp Genetics (formerly Invitae), Labcorp
Classification: Uncertain significance for Ataxia-telangiectasia syndrome. Last evaluated: 2022-04-28. Review status: criteria provided, single submitter. Criteria: Invitae Variant Classification Sherloc (09022015). Collection method: clinical testing. Allele origin: germline.
Comment: In summary, the available evidence is currently insufficient to determine the role of this variant in disease. Therefore, it has been classified as a Variant of Uncertain Significance. Advanced modeling of protein sequence and biophysical properties (such as structural, functional, and spatial information, amino acid conservation, physicochemical variation, residue mobility, and thermodynamic stability) performed at Invitae indicates that this missense variant is not expected to disrupt ATM protein function. ClinVar contains an entry for this variant (Variation ID: 860724). This missense change has been observed in individual(s) with breast cancer (PMID: 28580595). This variant is not present in population databases (gnomAD no frequency). This sequence change replaces serine, which is neutral and polar, with glycine, which is neutral and non-polar, at codon 2162 of the ATM protein (p.Ser2162Gly).

Ambry Genetics
Classification: Uncertain significance for Hereditary cancer-predisposing syndrome. Last evaluated: 2021-05-31. Review status: criteria provided, single submitter. Criteria: Ambry Variant Classification Scheme 2023. Collection method: clinical testing. Allele origin: germline.
Comment: The p.S2162G variant (also known as c.6484A>G), located in coding exon 44 of the ATM gene, results from an A to G substitution at nucleotide position 6484. The serine at codon 2162 is replaced by glycine, an amino acid with similar properties. This variant was identified in 1/292 individuals with breast cancer (Xie Y et al. Clin Genet, 2018 Jan;93:41-51). This amino acid position is highly conserved in available vertebrate species. In addition, this alteration is predicted to be tolerated by in silico analysis. Since supporting evidence is limited at this time, the clinical significance of this alteration remains unclear.

Literature cited by the submitters: PubMed 28580595 (cited by Labcorp Genetics (formerly Invitae), Labcorp and Ambry Genetics).

NM_000051.4(ATM):c.6484A>G (p.Ser2162Gly)

Genes: ATM (ATM serine/threonine kinase; plus strand), C11orf65 (chromosome 11 open reading frame 65; minus strand). Cytogenetic location: 11q22.3.
Variant type: single nucleotide variant.
Coding change: c.6484A>G on transcript NM_000051.4 (MANE Select); coding-DNA position 6484, A replaced by G.
Protein change: p.Ser2162Gly; replaces serine 2162 with glycine.
Molecular consequence: missense variant. On other transcripts: intron variant (2).
Genome position (GRCh38, 1-based): chr11:108,321,332, A>G. VCF-style: chr11-108321332-A-G. GRCh37 (hg19) VCF-style: chr11-108192059-A-G.
Other names: c.6484A>G, p.Ser2162Gly (NM_001351834.2); c.641-12261T>C (NM_001330368.2); c.*39-12261T>C (NM_001351110.2); short protein forms S2162G.
Identifiers: ClinVar variation 860724 (VCV000860724.12), dbSNP rs2085194212, ClinGen allele CA382553978.
Genomic context (GRCh38, chr11:108,321,332, plus strand): 5'-TCAGAGTGTCTTTTCTTTTTTGCTACTAGAGTAAAAGAAGTGGAAGAGATGTGTAAGCGC[A>G]GCCTTGAGTCTGTGTATTCGCTCTATCCCACACTTAGCAGGTTGCAGGCCATTGGAGAGC-3'
Protein context (NP_000042.3, residues 2152-2172): VKEVEEMCKR[Ser2162Gly]LESVYSLYPT